The following is an entry in ClinVar:

NM_000268.4(NF2):c.211A>G (p.Thr71Ala)

Gene: NF2 (NF2, moesin-ezrin-radixin like (MERLIN) tumor suppressor; plus strand). Cytogenetic location: 22q12.2.
Variant type: single nucleotide variant.
Coding change: c.211A>G on transcript NM_000268.4 (MANE Select); coding-DNA position 211, A replaced by G.
Protein change: p.Thr71Ala; replaces threonine 71 with alanine.
Molecular consequence: missense variant. On other transcripts: non-coding transcript variant (1), intron variant (3).
Genome position (GRCh38, 1-based): chr22:29,636,847, A>G. VCF-style: chr22-29636847-A-G. GRCh37 (hg19) VCF-style: chr22-30032836-A-G.
Other names: c.97A>G, p.Thr33Ala (NM_001407053.1, NM_001407056.1); c.211A>G, p.Thr71Ala (NM_001407054.1, NM_001407057.1, NM_001407058.1 and 9 more transcripts); c.-430A>G (NM_001407065.1); c.-46A>G (NM_001407067.1); c.115-2243A>G (NM_181828.3); c.115-5355A>G (NM_181830.3, NM_181831.3); short protein forms T33A, T71A.
Identifiers: ClinVar variation 1786216 (VCV001786216.5), dbSNP rs1214018840, ClinGen allele CA411152617.

ClinVar aggregate classification (germline): Uncertain significance. Review status: criteria provided, multiple submitters, no conflicts (2 of 4 stars). 2 submissions from 2 submitters: Uncertain significance (2). Last evaluated 2023-02-08.

Conditions:
Neurofibromatosis, type 2 (SWNV). Also called: NF2-Related Schwannomatosis; SCHWANNOMATOSIS, VESTIBULAR; BILATERAL ACOUSTIC NEUROFIBROMATOSIS. Identifiers: Orphanet 637, MedGen C0027832, MONDO:0007039, OMIM 101000. Disease mechanism: loss of function.
Hereditary cancer-predisposing syndrome. Also called: Tumor predisposition; Neoplastic Syndromes, Hereditary; Hereditary Cancer Syndrome; Hereditary neoplastic syndrome. Identifiers: Orphanet 140162, MedGen C0027672, MeSH D009386, MONDO:0015356.

Allele frequency attached by ClinVar (database versions not stated): gnomAD exomes below 0.00001.
gnomAD v4.1: 4 of 1,614,192 alleles (0.00025%); highest among the groups gnomAD compares: Non-Finnish European, 0.00034%; no homozygotes.

Submissions (2):

Labcorp Genetics (formerly Invitae), Labcorp
Classification: Uncertain significance for Neurofibromatosis, type 2. Last evaluated: 2023-02-08. Review status: criteria provided, single submitter. Criteria: Invitae Variant Classification Sherloc (09022015). Collection method: clinical testing. Allele origin: germline.
Comment: In summary, the available evidence is currently insufficient to determine the role of this variant in disease. Therefore, it has been classified as a Variant of Uncertain Significance. Advanced modeling of protein sequence and biophysical properties (such as structural, functional, and spatial information, amino acid conservation, physicochemical variation, residue mobility, and thermodynamic stability) performed at Invitae indicates that this missense variant is not expected to disrupt NF2 protein function. ClinVar contains an entry for this variant (Variation ID: 1786216). This variant has not been reported in the literature in individuals affected with NF2-related conditions. This variant is present in population databases (no rsID available, gnomAD 0.0009%). This sequence change replaces threonine, which is neutral and polar, with alanine, which is neutral and non-polar, at codon 71 of the NF2 protein (p.Thr71Ala).

Ambry Genetics
Classification: Uncertain significance for Hereditary cancer-predisposing syndrome. Last evaluated: 2022-07-02. Review status: criteria provided, single submitter. Criteria: Ambry Variant Classification Scheme 2023. Collection method: clinical testing. Allele origin: germline.
Comment: The p.T71A variant (also known as c.211A>G), located in coding exon 2 of the NF2 gene, results from an A to G substitution at nucleotide position 211. The threonine at codon 71 is replaced by alanine, an amino acid with similar properties. This amino acid position is conserved. In addition, the in silico prediction for this alteration is inconclusive. Since supporting evidence is limited at this time, the clinical significance of this alteration remains unclear.